The following is an entry in ClinVar:

ClinVar aggregate classification (germline): Uncertain significance (1 of 4 stars; one submission).

Conditions:
Glycine encephalopathy 1 (GCE1). Identifiers: MedGen CN376801, MONDO:0958179, OMIM 605899.

Submission:

Juno Genomics, Hangzhou Juno Genomics, Inc
Classification: Uncertain significance for Glycine encephalopathy 1. Review status: criteria provided, single submitter. Criteria: ACMG Guidelines, 2015. Collection method: clinical testing. Allele origin: germline.
Comment: Absent from controls (or at extremely low frequency if recessive) in Genome Aggregation Database.;Multiple lines of computational evidence support a deleterious effect on the gene or gene product.

NM_000170.3(GLDC):c.2315+3A>G

Gene: GLDC (glycine decarboxylase; minus strand). Cytogenetic location: 9p24.1.
Variant type: single nucleotide variant.
Coding change: c.2315+3A>G on transcript NM_000170.3 (MANE Select); 3 bases into the intron after coding-DNA position 2315, A replaced by G.
Molecular consequence: intron variant.
Genome position (GRCh38, 1-based): chr9:6,554,666, T>C on the plus strand (A>G on the coding strand, the complement: GLDC is on the minus strand). VCF-style: chr9-6554666-T-C. GRCh37 (hg19) VCF-style: chr9-6554666-T-C.
Identifiers: ClinVar variation 5007455 (VCV005007455.2).